The following is an entry in ClinVar:

NM_001105247.2(ARMC5):c.1514G>T (p.Arg505Leu)

Gene: ARMC5 (armadillo repeat containing 5; plus strand). Cytogenetic location: 16p11.2.
Variant type: single nucleotide variant.
Coding change: c.1514G>T on transcript NM_001105247.2 (MANE Select); coding-DNA position 1514, G replaced by T.
Protein change: p.Arg505Leu; replaces arginine 505 with leucine.
Molecular consequence: missense variant.
Genome position (GRCh38, 1-based): chr16:31,464,537, G>T. VCF-style: chr16-31464537-G-T. GRCh37 (hg19) VCF-style: chr16-31475858-G-T.
Other names: c.1799G>T (NM_001288767.1); c.1799G>T, p.Arg600Leu (NM_001288767.2); c.1610G>T, p.Arg537Leu (NM_001301820.1); c.1514G>T, p.Arg505Leu (NM_024742.2); short protein forms R537L, R600L, R505L.
Identifiers: ClinVar variation 2228544 (VCV002228544.5), dbSNP rs200852513, ClinGen allele CA8029709.

ClinVar aggregate classification (germline): Conflicting classifications of pathogenicity. Review status: criteria provided, conflicting classifications (1 of 4 stars). 3 submissions from 3 submitters: Uncertain significance (1); Likely benign (1). 1 of the submissions does not count toward it. Last evaluated 2024-10-03.

Conditions:
Inborn genetic diseases. Identifiers: MedGen C0950123, MeSH D030342.
ARMC5-related disorder. Also called: ARMC5-related condition.

Allele frequency attached by ClinVar (database versions not stated): gnomAD 0.00046; TOPMed 0.00050; ESP Exome Variant Server 0.00077.
gnomAD v4.1: 1,792 of 1,592,478 alleles (0.11%); highest among the groups gnomAD compares: Non-Finnish European, 0.14%; no homozygotes.

Submissions (3):

Blueprint Genetics
Classification: Likely benign. Last evaluated: 2024-10-03. Review status: criteria provided, single submitter. Criteria: ACMG Guidelines, 2015. Collection method: clinical testing. Allele origin: germline.

Ambry Genetics
Classification: Uncertain significance for Inborn genetic diseases. Last evaluated: 2021-09-16. Review status: criteria provided, single submitter. Criteria: Ambry Variant Classification Scheme 2023. Collection method: clinical testing. Allele origin: germline.

PreventionGenetics, part of Exact Sciences
Classification: Likely benign for ARMC5-related condition. Last evaluated: 2022-02-01. Review status: no assertion criteria provided. Collection method: clinical testing. Allele origin: germline. Not counted in ClinVar's aggregate classification.
Comment: This variant is classified as likely benign based on ACMG/AMP sequence variant interpretation guidelines (Richards et al. 2015 PMID: 25741868, with internal and published modifications).